The following is an entry in ClinVar:

NM_020549.4(CHAT):c.-220C>G

Gene: CHAT (choline O-acetyltransferase; plus strand). Cytogenetic location: 10q11.23.
Variant type: single nucleotide variant.
Coding change: c.-220C>G on transcript NM_020549.4; 220 bases upstream of the start codon, C replaced by G.
Molecular consequence: intron variant (on NM_020984.4).
Genome position (GRCh38, 1-based): chr10:49,613,970, C>G. VCF-style: chr10-49613970-C-G. GRCh37 (hg19) VCF-style: chr10-50822016-C-G.
Other names: c.-68-2532C>G (NM_020984.4); c.-240-334C>G (NM_020985.4); c.-69+768C>G (NM_020986.4).
Identifiers: ClinVar variation 681266 (VCV000681266.4), dbSNP rs8178984, ClinGen allele CA15642264.

ClinVar aggregate classification (germline): Benign. Review status: criteria provided, multiple submitters, no conflicts (2 of 4 stars). 2 submissions from 2 submitters: Benign (2). Last evaluated 2018-06-19.

Allele frequency attached by ClinVar (database versions not stated): gnomAD 0.14185 and 0.14347; TOPMed 0.14494; 1000 Genomes Project 30x 0.20097; 1000 Genomes Project 0.20208.

Submissions (2):

GeneDx
Classification: Benign. Last evaluated: 2018-06-19. Review status: criteria provided, single submitter. Criteria: GeneDx Variant Classification (06012015). Collection method: clinical testing. Allele origin: germline. Affected: yes.
Comment: This variant is considered likely benign or benign based on one or more of the following criteria: it is a conservative change, it occurs at a poorly conserved position in the protein, it is predicted to be benign by multiple in silico algorithms, and/or has population frequency not consistent with disease.

Breakthrough Genomics
Classification: Benign. Review status: criteria provided, single submitter. Criteria: ACMG Guidelines, 2015. Collection method: not provided. Allele origin: germline. Inheritance: Autosomal recessive inheritance. Affected: yes.